The following is an entry in ClinVar:

ClinVar aggregate classification (germline): Uncertain significance (1 of 4 stars; one submission).

Conditions:
Neurofibromatosis, type 1 (NF1). Also called: Peripheral type neurofibromatosis; NEUROFIBROMATOSIS, TYPE I, SOMATIC; VON RECKLINGHAUSEN DISEASE; Neurofibromatosis, type I. Identifiers: Orphanet 636, MedGen C0027831, MONDO:0018975, OMIM 162200. Disease mechanism: loss of function.

Submission:

Labcorp Genetics (formerly Invitae), Labcorp
Classification: Uncertain significance for Neurofibromatosis, type 1. Last evaluated: 2023-05-07. Review status: criteria provided, single submitter. Criteria: Invitae Variant Classification Sherloc (09022015). Collection method: clinical testing. Allele origin: germline.
Comment: In summary, the available evidence is currently insufficient to determine the role of this variant in disease. Therefore, it has been classified as a Variant of Uncertain Significance. Advanced modeling of protein sequence and biophysical properties (such as structural, functional, and spatial information, amino acid conservation, physicochemical variation, residue mobility, and thermodynamic stability) performed at Invitae indicates that this missense variant is not expected to disrupt NF1 protein function. ClinVar contains an entry for this variant (Variation ID: 2106645). This variant has not been reported in the literature in individuals affected with NF1-related conditions. This variant is not present in population databases (gnomAD no frequency). This sequence change replaces methionine, which is neutral and non-polar, with isoleucine, which is neutral and non-polar, at codon 577 of the NF1 protein (p.Met577Ile).

NM_001042492.3(NF1):c.1731G>A (p.Met577Ile)

Gene: NF1 (neurofibromin 1; plus strand). Cytogenetic location: 17q11.2.
Variant type: single nucleotide variant.
Coding change: c.1731G>A on transcript NM_001042492.3 (MANE Select); coding-DNA position 1731, G replaced by A.
Protein change: p.Met577Ile; replaces methionine 577 with isoleucine.
Molecular consequence: missense variant.
Genome position (GRCh38, 1-based): chr17:31,223,453, G>A. VCF-style: chr17-31223453-G-A. GRCh37 (hg19) VCF-style: chr17-29550471-G-A.
Other names: c.1731G>A, p.Met577Ile (NM_000267.4); short protein forms M577I.
Identifiers: ClinVar variation 2106645 (VCV002106645.4), dbSNP rs2144015654, ClinGen allele CA399003995.